The following is an entry in ClinVar:

NM_001371596.2(MFSD8):c.531_537del (p.Gly179fs)

Gene: MFSD8 (major facilitator superfamily domain containing 8; minus strand). Cytogenetic location: 4q28.2.
Variant type: Deletion.
Coding change: c.531_537del on transcript NM_001371596.2 (MANE Select); coding-DNA positions 531 to 537, 7 bases deleted (ATTAGGT; older notation c.531_537delATTAGGT).
Protein change: p.Gly179fs; shifts the reading frame from glycine 179.
Molecular consequence: frameshift variant. On other transcripts: intron variant (4).
Genome position (GRCh38, 1-based): chr4:127,942,061-127,942,067, ACCTAAT deleted on the plus strand (ATTAGGT on the coding strand, the reverse complement: MFSD8 is on the minus strand). VCF-style (leftmost placement, unchanged base first): chr4-127942060-AACCTAAT-A. GRCh37 (hg19) VCF-style: chr4-128863215-AACCTAAT-A.
Other names: c.531_537del, p.Gly179fs (NM_001363520.3, NM_001371591.2, NM_001371592.2 and 2 more transcripts); c.396_402del, p.Gly134fs (NM_001371590.2, NM_001371595.1); c.304+1685_304+1691del (NM_001410765.1); c.439+1685_439+1691del (NM_001363521.3, NM_001410766.1, NM_001371593.2); c.531_537delATTAGGT (NM_152778.2); short protein forms G179fs, G134fs.
Identifiers: ClinVar variation 1454727 (VCV001454727.8), dbSNP rs1271198944, ClinGen allele CA554739592.

ClinVar aggregate classification (germline): Pathogenic/Likely pathogenic. Review status: criteria provided, multiple submitters, no conflicts (2 of 4 stars). 2 submissions from 2 submitters: Pathogenic (1); Likely pathogenic (1). Last evaluated 2024-03-27.

Conditions:
Neuronal ceroid lipofuscinosis 7 (CLN7). Also called: MFSD8-Related Neuronal Ceroid-Lipofuscinosis. Identifiers: Orphanet 168491, Orphanet 228366, MedGen C1838571, MONDO:0012588, OMIM 610951.
Late-infantile neuronal ceroid lipofuscinosis. Also called: Jansky-Bielschowsky disease. Identifiers: MedGen C0022340, MONDO:0015674.

Allele frequency attached by ClinVar (database versions not stated): gnomAD exomes below 0.00001.

Submissions (2):

Natera, Inc.
Classification: Likely pathogenic for Late-infantile neuronal ceroid lipofuscinosis. Last evaluated: 2024-03-27. Review status: criteria provided, single submitter. Criteria: Natera Variant Classification Schema (03/2026). Collection method: clinical testing. Allele origin: germline.
Comment: The c.531_537delATTAGGT variant in MFSD8 is a frameshift variant predicted to shift the reading frame beginning at codon 179 and leads to a stop codon 2 codons downstream. This variant is expected to result in nonsense mediated decay, truncation, or a dysfunctional protein product. This variant is rare in the general population with a frequency below the threshold expected for the associated phenotype(s). Given the available evidence, this variant is classified as Likely Pathogenic.

Labcorp Genetics (formerly Invitae), Labcorp
Classification: Pathogenic for Neuronal ceroid lipofuscinosis 7. Last evaluated: 2024-01-08. Review status: criteria provided, single submitter. Criteria: Invitae Variant Classification Sherloc (09022015). Collection method: clinical testing. Allele origin: germline.
Comment: This sequence change creates a premature translational stop signal (p.Gly179Phefs*2) in the MFSD8 gene. It is expected to result in an absent or disrupted protein product. Loss-of-function variants in MFSD8 are known to be pathogenic (PMID: 19177532, 25227500, 28586915). This variant is present in population databases (no rsID available, gnomAD 0.0009%). This variant has not been reported in the literature in individuals affected with MFSD8-related conditions. ClinVar contains an entry for this variant (Variation ID: 1454727). For these reasons, this variant has been classified as Pathogenic.

Literature cited by the submitters: PubMed 19177532 (cited by Labcorp Genetics (formerly Invitae), Labcorp); PubMed 25227500 (cited by Labcorp Genetics (formerly Invitae), Labcorp); PubMed 28586915 (cited by Labcorp Genetics (formerly Invitae), Labcorp).